The following is an entry in ClinVar:

ClinVar aggregate classification (germline): Uncertain significance (1 of 4 stars; one submission).

Conditions:
Cardiovascular phenotype. Identifiers: MedGen CN230736.

Allele frequency attached by ClinVar (database versions not stated): gnomAD exomes below 0.00001.

Submission:

Ambry Genetics
Classification: Uncertain significance for Cardiovascular phenotype. Last evaluated: 2020-08-14. Review status: criteria provided, single submitter. Criteria: Ambry Variant Classification Scheme 2023. Collection method: clinical testing. Allele origin: germline.
Comment: The c.1879_1881delAAG variant (also known as p.K627del) is located in coding exon 23 of the CACNA2D1 gene. This variant results from an in-frame AAG deletion at nucleotide positions 1879 to 1881. This results in the in-frame deletion of a lysine at codon 627. This amino acid position is well conserved in available vertebrate species. In addition, this alteration is predicted to be neutral by in silico analysis (Choi Y et al. PLoS ONE. 2012; 7(10):e46688). Since supporting evidence is limited at this time, the clinical significance of this alteration remains unclear.

NM_000722.4(CACNA2D1):c.1879_1881del (p.Lys627del)

Gene: CACNA2D1 (calcium voltage-gated channel auxiliary subunit alpha2delta 1; minus strand). Cytogenetic location: 7q21.11.
Variant type: Deletion.
Coding change: c.1879_1881del on transcript NM_000722.4 (MANE Select); coding-DNA positions 1879 to 1881, 3 bases deleted (AAG; older notation c.1879_1881delAAG).
Protein change: p.Lys627del; deletes lysine 627.
Molecular consequence: inframe deletion. On other transcripts: intron variant (1).
Genome position (GRCh38, 1-based): chr7:81,983,327-81,983,329, CTT deleted on the plus strand (AAG on the coding strand, the reverse complement: CACNA2D1 is on the minus strand). VCF-style (leftmost placement, unchanged base first): chr7-81983326-CCTT-C. GRCh37 (hg19) VCF-style: chr7-81612642-CCTT-C.
Other names: c.1931-702_1931-700del (NM_001366867.1); short protein forms K627del.
Identifiers: ClinVar variation 1781831 (VCV001781831.2), dbSNP rs2484795336, ClinGen allele CA2580077388.
Genomic context (GRCh38, chr7:81,983,326, plus strand): 5'-GTCAAGTGTACTAAACAGAAAGAAGTTGAGCAACAAGAAAATACTTGCCCTTCATTTTGC[CCTT>C]TTTTGCTGTGAAAATCCATCAGAAAGAGAAAGCAGGGAAACAAAAAAAAAAGAGGGTAAA-3'